The following is an entry in ClinVar:

NM_016111.4(TELO2):c.1672A>G (p.Lys558Glu)

Gene: TELO2 (telomere maintenance 2; plus strand). Cytogenetic location: 16p13.3.
Variant type: single nucleotide variant.
Coding change: c.1672A>G on transcript NM_016111.4 (MANE Select); coding-DNA position 1672, A replaced by G.
Protein change: p.Lys558Glu; replaces lysine 558 with glutamic acid.
Molecular consequence: missense variant.
Genome position (GRCh38, 1-based): chr16:1,502,663, A>G. VCF-style: chr16-1502663-A-G. GRCh37 (hg19) VCF-style: chr16-1552664-A-G.
Other names: c.1672A>G, p.Lys558Glu (NM_001351846.2); short protein forms K558E.
Identifiers: ClinVar variation 2878035 (VCV002878035.3), dbSNP rs770037429, ClinGen allele CA276659464.

ClinVar aggregate classification (germline): Uncertain significance (1 of 4 stars; one submission).

Allele frequency attached by ClinVar (database versions not stated): gnomAD exomes below 0.00001; gnomAD 0.00001.
gnomAD v4.1: 2 of 1,612,052 alleles (0.00012%); highest among the groups gnomAD compares: Non-Finnish European, 0.00017%; no homozygotes.

Submission:

Labcorp Genetics (formerly Invitae), Labcorp
Classification: Uncertain significance. Last evaluated: 2025-04-14. Review status: criteria provided, single submitter. Criteria: Invitae Variant Classification Sherloc (09022015). Collection method: clinical testing. Allele origin: germline.
Comment: This sequence change replaces lysine, which is basic and polar, with glutamic acid, which is acidic and polar, at codon 558 of the TELO2 protein (p.Lys558Glu). This variant is present in population databases (rs770037429, gnomAD 0.007%). This variant has not been reported in the literature in individuals affected with TELO2-related conditions. ClinVar contains an entry for this variant (Variation ID: 2878035). Invitae Evidence Modeling of protein sequence and biophysical properties (such as structural, functional, and spatial information, amino acid conservation, physicochemical variation, residue mobility, and thermodynamic stability) indicates that this missense variant is not expected to disrupt TELO2 protein function with a negative predictive value of 95%. In summary, the available evidence is currently insufficient to determine the role of this variant in disease. Therefore, it has been classified as a Variant of Uncertain Significance.